The following is an entry in ClinVar:

ClinVar aggregate classification (germline): Likely benign (1 of 4 stars; one submission).

gnomAD v4.1: 1 of 1,614,044 alleles (0.000062%); highest among the groups gnomAD compares: African/African-American, 0.0013%; no homozygotes.

Submission:

CeGaT Center for Human Genetics Tuebingen
Classification: Likely benign. Last evaluated: 2025-02-01. Review status: criteria provided, single submitter. Criteria: CeGaT Center For Human Genetics Tuebingen Variant Classification Criteria Version 2. Collection method: clinical testing. Allele origin: germline. Affected: yes. Observed: 1 variant allele.
Comment: DRD2: BP4, BP7

NM_000795.4(DRD2):c.438C>T (p.Tyr146=)

Gene: DRD2 (dopamine receptor D2; minus strand). Cytogenetic location: 11q23.2.
Variant type: single nucleotide variant.
Coding change: c.438C>T on transcript NM_000795.4 (MANE Select); coding-DNA position 438, C replaced by T.
Protein change: p.Tyr146=; no amino-acid change (tyrosine 146 retained).
Molecular consequence: synonymous variant.
Genome position (GRCh38, 1-based): chr11:113,416,957, G>A on the plus strand (C>T on the coding strand, the complement: DRD2 is on the minus strand). VCF-style: chr11-113416957-G-A. GRCh37 (hg19) VCF-style: chr11-113287679-G-A.
Other names: c.438C>T, p.Tyr146= (NM_016574.4).
Identifiers: ClinVar variation 3772539 (VCV003772539.13).